The following is an entry in ClinVar:

NM_000535.7(PMS2):c.90G>A (p.Gln30=)

Gene: PMS2 (PMS1 homolog 2, mismatch repair system component; minus strand). Cytogenetic location: 7p22.1.
Variant type: single nucleotide variant.
Coding change: c.90G>A on transcript NM_000535.7 (MANE Select); coding-DNA position 90, G replaced by A.
Protein change: p.Gln30=; no amino-acid change (glutamine 30 retained).
Molecular consequence: synonymous variant. On other transcripts: 5 prime UTR variant (38), non-coding transcript variant (1), intron variant (7).
Genome position (GRCh38, 1-based): chr7:6,005,965, C>T on the plus strand (G>A on the coding strand, the complement: PMS2 is on the minus strand). VCF-style: chr7-6005965-C-T. GRCh37 (hg19) VCF-style: chr7-6045596-C-T.
Other names: c.-316G>A (NM_001018040.1, NM_001322003.2, NM_001322005.2 and 11 more transcripts); c.90G>A, p.Gln30= (NM_001322006.2, NM_001322014.2, NM_001406868.1 and 10 more transcripts); c.-126G>A (NM_001322007.2, NM_001406876.1, NM_001406883.1 and 4 more transcripts); c.-795G>A (NM_001322011.2, NM_001322012.2); c.-395G>A (NM_001322015.2, NM_001406875.1, NM_001406877.1 and 2 more transcripts); c.276G>A, p.Gln92= (NM_001406866.1); c.-342G>A (NM_001406880.1); c.-263G>A (NM_001406888.1, NM_001406889.1, NM_001406892.1 and 5 more transcripts); and 7 more.
Identifiers: ClinVar variation 2821567 (VCV002821567.6), dbSNP rs1413534855, ClinGen allele CA453650298.

ClinVar aggregate classification (germline): Benign/Likely benign. Review status: criteria provided, multiple submitters, no conflicts (2 of 4 stars). 4 submissions from 4 submitters: Benign (1); Likely benign (3). Last evaluated 2026-08-09.

Conditions:
Hereditary nonpolyposis colorectal neoplasms. Identifiers: MedGen C0009405, MeSH D003123.
Lynch syndrome 4 (LYNCH4). Also called: Hereditary non-polyposis colorectal cancer, type 4; Colorectal cancer, hereditary nonpolyposis, type 4. Identifiers: Orphanet 144, MedGen C1838333, MONDO:0013699, OMIM 614337. Disease mechanism: loss of function.
Lynch syndrome. Identifiers: Orphanet 144, MedGen C4552100, MONDO:0005835. Disease mechanism: loss of function.
Hereditary cancer-predisposing syndrome. Also called: Hereditary Cancer Syndrome; Hereditary neoplastic syndrome; Neoplastic Syndromes, Hereditary; Tumor predisposition. Identifiers: Orphanet 140162, MedGen C0027672, MeSH D009386, MONDO:0015356.

Allele frequency attached by ClinVar (database versions not stated): gnomAD exomes below 0.00001.
gnomAD v4.1: 2 of 1,610,818 alleles (0.00012%); highest among the groups gnomAD compares: Non-Finnish European, 0.00017%; no homozygotes.

Submissions (4):

Ambry Genetics
Classification: Likely benign for Hereditary cancer-predisposing syndrome. Last evaluated: 2026-08-09. Review status: criteria provided, single submitter. Criteria: Ambry Variant Classification Scheme 2023. Collection method: clinical testing. Allele origin: germline.

Labcorp Genetics (formerly Invitae), Labcorp
Classification: Likely benign for Hereditary nonpolyposis colorectal neoplasms. Last evaluated: 2025-11-17. Review status: criteria provided, single submitter. Criteria: Invitae Variant Classification Sherloc (09022015). Collection method: clinical testing. Allele origin: germline.

Myriad Genetics, Inc.
Classification: Benign for Lynch syndrome 4. Last evaluated: 2025-01-23. Review status: criteria provided, single submitter. Criteria: Myriad Autosomal Dominant, Autosomal Recessive and X-Linked Classification Criteria (2023). Collection method: clinical testing. Allele origin: unknown.
Comment: This variant is considered benign. This variant is a silent/synonymous amino acid change and it is not expected to impact splicing.

All of Us Research Program, National Institutes of Health
Classification: Likely benign for Lynch syndrome. Last evaluated: 2024-08-13. Review status: criteria provided, single submitter. Criteria: ACMG Guidelines, 2015. Collection method: clinical testing. Allele origin: germline. Inheritance: Autosomal dominant inheritance. Observed: 1 variant allele, 1 heterozygote.
Comment: This study involves interpretation of variants in research participants for the purpose of population health screening. Participant phenotype was not available at the time of variant classification. Additional details can be found in publication PMID: 35346344, PMCID: PMC8962531